The following is an entry in ClinVar:

NM_004380.3(CREBBP):c.4997C>G (p.Ala1666Gly)

Gene: CREBBP (CREB binding lysine acetyltransferase; minus strand). Cytogenetic location: 16p13.3.
Variant type: single nucleotide variant.
Coding change: c.4997C>G on transcript NM_004380.3 (MANE Select); coding-DNA position 4997, C replaced by G.
Protein change: p.Ala1666Gly; replaces alanine 1666 with glycine.
Molecular consequence: missense variant.
Genome position (GRCh38, 1-based): chr16:3,731,367, G>C on the plus strand (C>G on the coding strand, the complement: CREBBP is on the minus strand). VCF-style: chr16-3731367-G-C. GRCh37 (hg19) VCF-style: chr16-3781368-G-C.
Other names: c.4883C>G, p.Ala1628Gly (NM_001079846.1); short protein forms A1666G, A1628G.
Identifiers: ClinVar variation 3643527 (VCV003643527.2).
Genomic context (GRCh38, chr16:3,731,367, plus strand): 5'-CACTTGGAGCGGCGCAAGGAGGAGAACTCCCAGTGCTTGTCTCTGGCGAGGGTGAGGAAG[G>C]CGTCGCGCCCATCCATGAGGTCACAGCTGAGCAGGGGGTCGGGGTCGACGATGGGGGGCA-3'
Protein context (NP_004371.2, residues 1656-1676): LSCDLMDGRD[Ala1666Gly]FLTLARDKHW

ClinVar aggregate classification (germline): Uncertain significance (1 of 4 stars; one submission).

Conditions:
Rubinstein-Taybi syndrome (RSTS). Identifiers: Orphanet 783, MedGen C0035934, MONDO:0019188.

Submission:

Labcorp Genetics (formerly Invitae), Labcorp
Classification: Uncertain significance for Rubinstein-Taybi syndrome. Last evaluated: 2024-02-27. Review status: criteria provided, single submitter. Criteria: Invitae Variant Classification Sherloc (09022015). Collection method: clinical testing. Allele origin: germline.
Comment: This sequence change replaces alanine, which is neutral and non-polar, with glycine, which is neutral and non-polar, at codon 1666 of the CREBBP protein (p.Ala1666Gly). This variant is not present in population databases (gnomAD no frequency). This variant has not been reported in the literature in individuals affected with CREBBP-related conditions. Advanced modeling of protein sequence and biophysical properties (such as structural, functional, and spatial information, amino acid conservation, physicochemical variation, residue mobility, and thermodynamic stability) performed at Invitae indicates that this missense variant is expected to disrupt CREBBP protein function with a positive predictive value of 95%. In summary, the available evidence is currently insufficient to determine the role of this variant in disease. Therefore, it has been classified as a Variant of Uncertain Significance.